The following is an entry in ClinVar:

NM_000384.3(APOB):c.1303G>C (p.Asp435His)

Gene: APOB (apolipoprotein B; minus strand). Cytogenetic location: 2p24.1.
Variant type: single nucleotide variant.
Coding change: c.1303G>C on transcript NM_000384.3 (MANE Select); coding-DNA position 1303, G replaced by C.
Protein change: p.Asp435His; replaces aspartic acid 435 with histidine.
Molecular consequence: missense variant.
Genome position (GRCh38, 1-based): chr2:21,032,403, C>G on the plus strand (G>C on the coding strand, the complement: APOB is on the minus strand). VCF-style: chr2-21032403-C-G. GRCh37 (hg19) VCF-style: chr2-21255275-C-G.
Other names: short protein forms D435H.
Identifiers: ClinVar variation 2565864 (VCV002565864.2), dbSNP rs1255501488, ClinGen allele CA345957581.

ClinVar aggregate classification (germline): Uncertain significance (1 of 4 stars; one submission).

Conditions:
Cardiovascular phenotype. Identifiers: MedGen CN230736.

gnomAD v4.1: 2 of 1,614,020 alleles (0.00012%); highest among the groups gnomAD compares: Non-Finnish European, 0.00017%; no homozygotes.

Submission:

Ambry Genetics
Classification: Uncertain significance for Cardiovascular phenotype. Last evaluated: 2023-05-15. Review status: criteria provided, single submitter. Criteria: Ambry Variant Classification Scheme 2023. Collection method: clinical testing. Allele origin: germline.
Comment: The p.D435H variant (also known as c.1303G>C), located in coding exon 10 of the APOB gene, results from a G to C substitution at nucleotide position 1303. The aspartic acid at codon 435 is replaced by histidine, an amino acid with similar properties. This amino acid position is conserved. In addition, this alteration is predicted to be tolerated by in silico analysis. Since supporting evidence is limited at this time, the clinical significance of this alteration remains unclear.